The following is an entry in ClinVar:

ClinVar aggregate classification (germline): Uncertain significance (1 of 4 stars; one submission).

Submission:

Labcorp Genetics (formerly Invitae), Labcorp
Classification: Uncertain significance. Last evaluated: 2023-08-29. Review status: criteria provided, single submitter. Criteria: Invitae Variant Classification Sherloc (09022015). Collection method: clinical testing. Allele origin: germline.
Comment: In summary, the available evidence is currently insufficient to determine the role of this variant in disease. Therefore, it has been classified as a Variant of Uncertain Significance. Advanced modeling of protein sequence and biophysical properties (such as structural, functional, and spatial information, amino acid conservation, physicochemical variation, residue mobility, and thermodynamic stability) performed at Invitae indicates that this missense variant is expected to disrupt SLC4A1 protein function. This variant has not been reported in the literature in individuals affected with SLC4A1-related conditions. This variant is not present in population databases (gnomAD no frequency). This sequence change replaces glycine, which is neutral and non-polar, with tryptophan, which is neutral and slightly polar, at codon 455 of the SLC4A1 protein (p.Gly455Trp).

NM_000342.4(SLC4A1):c.1363G>T (p.Gly455Trp)

Gene: SLC4A1 (solute carrier family 4 member 1 (Diego blood group); minus strand). Cytogenetic location: 17q21.31.
Variant type: single nucleotide variant.
Coding change: c.1363G>T on transcript NM_000342.4 (MANE Select); coding-DNA position 1363, G replaced by T.
Protein change: p.Gly455Trp; replaces glycine 455 with tryptophan.
Molecular consequence: missense variant.
Genome position (GRCh38, 1-based): chr17:44,257,727, C>A on the plus strand (G>T on the coding strand, the complement: SLC4A1 is on the minus strand). VCF-style: chr17-44257727-C-A. GRCh37 (hg19) VCF-style: chr17-42335095-C-A.
Other names: short protein forms G455W.
Identifiers: ClinVar variation 2782617 (VCV002782617.3), dbSNP rs2509966084, ClinGen allele CA399787446.